The following is an entry in ClinVar:

ClinVar aggregate classification (germline): Conflicting classifications of pathogenicity. Review status: criteria provided, conflicting classifications (1 of 4 stars). 2 submissions from 2 submitters: Uncertain significance (1); Likely benign (1). Last evaluated 2023-07-17.

Conditions:
Hereditary breast ovarian cancer syndrome. Also called: Hereditary breast and ovarian cancer syndrome (HBOC); Hereditary breast and ovarian cancer syndrome; Breast and ovarian cancer; Hereditary breast and/or ovarian cancer syndrome; Hereditary breast and ovarian cancer; BRCA1- and BRCA2-Associated Hereditary Breast and Ovarian Cancer. Identifiers: Orphanet 145, MedGen C0677776, MeSH D061325, MONDO:0003582. Disease mechanism: loss of function.
Hereditary cancer-predisposing syndrome. Also called: Neoplastic Syndromes, Hereditary; Hereditary Cancer Syndrome; Hereditary neoplastic syndrome; Tumor predisposition. Identifiers: Orphanet 140162, MedGen C0027672, MeSH D009386, MONDO:0015356.

Submissions (2):

Labcorp Genetics (formerly Invitae), Labcorp
Classification: Uncertain significance for Hereditary breast ovarian cancer syndrome. Last evaluated: 2023-07-17. Review status: criteria provided, single submitter. Criteria: Invitae Variant Classification Sherloc (09022015). Collection method: clinical testing. Allele origin: germline.
Comment: In summary, the available evidence is currently insufficient to determine the role of this variant in disease. Therefore, it has been classified as a Variant of Uncertain Significance. Advanced modeling of protein sequence and biophysical properties (such as structural, functional, and spatial information, amino acid conservation, physicochemical variation, residue mobility, and thermodynamic stability) performed at Invitae indicates that this missense variant is not expected to disrupt BRCA1 protein function. ClinVar contains an entry for this variant (Variation ID: 462552). This variant has not been reported in the literature in individuals affected with BRCA1-related conditions. This variant is not present in population databases (gnomAD no frequency). This sequence change replaces glutamic acid, which is acidic and polar, with valine, which is neutral and non-polar, at codon 402 of the BRCA1 protein (p.Glu402Val).

University of Washington Department of Laboratory Medicine, University of Washington
Classification: Likely benign for Hereditary cancer-predisposing syndrome. Last evaluated: 2023-03-23. Review status: criteria provided, single submitter. Criteria: Dines et al. (Genet Med. 2020). Collection method: curation. Allele origin: germline.
Comment: Missense variant in a coldspot region where missense variants are very unlikely to be pathogenic (PMID:31911673).

BRCA1 coldspot (exon 11 using historical exon numbering). Reclassification based on statistical prior probability

NM_007294.4(BRCA1):c.1205A>T (p.Glu402Val)

Gene: BRCA1 (BRCA1 DNA repair associated; minus strand). Cytogenetic location: 17q21.31.
Variant type: single nucleotide variant.
Coding change: c.1205A>T on transcript NM_007294.4 (MANE Select); coding-DNA position 1205, A replaced by T.
Protein change: p.Glu402Val; replaces glutamic acid 402 with valine.
Molecular consequence: missense variant. On other transcripts: intron variant (137).
Genome position (GRCh38, 1-based): chr17:43,094,326, T>A on the plus strand (A>T on the coding strand, the complement: BRCA1 is on the minus strand). VCF-style: chr17-43094326-T-A. GRCh37 (hg19) VCF-style: chr17-41246343-T-A.
Other names: c.1061A>T, p.Glu354Val (NM_001407849.1, NM_001407943.1, NM_001407964.1 and 20 more transcripts); c.1064A>T, p.Glu355Val (NM_001407850.1, NM_001407851.1, NM_001407852.1 and 29 more transcripts); c.992A>T, p.Glu331Val (NM_001407853.1, NM_001407894.1, NM_001407895.1 and 9 more transcripts); c.1205A>T, p.Glu402Val (NM_001407854.1, NM_001407858.1, NM_001407859.1 and 30 more transcripts); c.1202A>T, p.Glu401Val (NM_001407860.1, NM_001407861.1, NM_001407587.1 and 22 more transcripts); c.1004A>T, p.Glu335Val (NM_001407862.1); c.1082A>T, p.Glu361Val (NM_001407863.1, NM_001407919.1, NM_001407937.1 and 19 more transcripts); c.1001A>T, p.Glu334Val (NM_001407874.1, NM_001407875.1); and 40 more; short protein forms E402V, E355V, E234V, E274V, E290V, E361V, E313V, E354V.
Identifiers: ClinVar variation 462552 (VCV000462552.12), dbSNP rs1555592216, ClinGen allele CA10599640.
Genomic context (GRCh38, chr17:43,094,326, plus strand): 5'-TATTCATCTACCTCATTTAGAACGTCCAATACATCAGCTACTTTGGCATTTGATTCAGAC[T>A]CCCCATCATGTGAGTCATCAGAACCTAACAGTTCATCACTTCTGGAAAACCACTCATTAA-3'
Protein context (NP_009225.1, residues 392-412): LLGSDDSHDG[Glu402Val]SESNAKVADV